The following is an entry in ClinVar:

NM_000057.4(BLM):c.3367A>T (p.Ser1123Cys)

Gene: BLM (BLM RecQ like helicase; plus strand). Cytogenetic location: 15q26.1.
Variant type: single nucleotide variant.
Coding change: c.3367A>T on transcript NM_000057.4 (MANE Select); coding-DNA position 3367, A replaced by T.
Protein change: p.Ser1123Cys; replaces serine 1123 with cysteine.
Molecular consequence: missense variant. On other transcripts: intron variant (1).
Genome position (GRCh38, 1-based): chr15:90,803,529, A>T. VCF-style: chr15-90803529-A-T. GRCh37 (hg19) VCF-style: chr15-91346759-A-T.
Other names: c.3367A>T, p.Ser1123Cys (NM_001287246.2); c.2242A>T, p.Ser748Cys (NM_001287248.2); c.3358+5192A>T (NM_001287247.2); short protein forms S748C, S1123C.
Identifiers: ClinVar variation 1356592 (VCV001356592.8), dbSNP rs1897212324, ClinGen allele CA393847445.

ClinVar aggregate classification (germline): Uncertain significance (1 of 4 stars; one submission).

Conditions:
Bloom syndrome (BLM). Also called: Bloom-Torre-Machacek syndrome. Identifiers: Orphanet 125, MedGen C0005859, MONDO:0008876, OMIM 210900.

Submission:

Labcorp Genetics (formerly Invitae), Labcorp
Classification: Uncertain significance for Bloom syndrome. Last evaluated: 2021-05-27. Review status: criteria provided, single submitter. Criteria: Invitae Variant Classification Sherloc (09022015). Collection method: clinical testing. Allele origin: germline.
Comment: In summary, the available evidence is currently insufficient to determine the role of this variant in disease. Therefore, it has been classified as a Variant of Uncertain Significance. Algorithms developed to predict the effect of missense changes on protein structure and function (SIFT, PolyPhen-2, Align-GVGD) all suggest that this variant is likely to be tolerated, but these predictions have not been confirmed by published functional studies and their clinical significance is uncertain. This variant has not been reported in the literature in individuals with BLM-related conditions. This variant is not present in population databases (ExAC no frequency). This sequence change replaces serine with cysteine at codon 1123 of the BLM protein (p.Ser1123Cys). The serine residue is highly conserved and there is a moderate physicochemical difference between serine and cysteine.